The following is an entry in ClinVar:

ClinVar aggregate classification (germline): Likely benign (1 of 4 stars; one submission).

Conditions:
IMPG1-related disorder. Also called: IMPG1-related condition.

Submission:

PreventionGenetics, part of Exact Sciences
Classification: Likely benign for IMPG1-related condition. Last evaluated: 2024-12-04. Review status: criteria provided, single submitter. Criteria: ACMG Guidelines, 2015. Collection method: clinical testing. Allele origin: germline.
Comment: This variant is classified as likely benign based on ACMG/AMP sequence variant interpretation guidelines (Richards et al. 2015 PMID: 25741868, with internal and published modifications).

NM_001563.4(IMPG1):c.667-8A>C

Gene: IMPG1 (interphotoreceptor matrix proteoglycan 1; minus strand). Cytogenetic location: 6q14.1.
Variant type: single nucleotide variant.
Coding change: c.667-8A>C on transcript NM_001563.4 (MANE Select); 8 bases into the intron before coding-DNA position 667, A replaced by C.
Molecular consequence: intron variant.
Genome position (GRCh38, 1-based): chr6:76,018,866, T>G on the plus strand (A>C on the coding strand, the complement: IMPG1 is on the minus strand). VCF-style: chr6-76018866-T-G. GRCh37 (hg19) VCF-style: chr6-76728583-T-G.
Other names: c.433-8A>C (NM_001282368.2).
Identifiers: ClinVar variation 4999263 (VCV004999263.1).